The following is an entry in ClinVar:

NM_014049.5(ACAD9):c.1221A>G (p.Thr407=)

Gene: ACAD9 (acyl-CoA dehydrogenase family member 9; plus strand). Cytogenetic location: 3q21.3.
Variant type: single nucleotide variant.
Coding change: c.1221A>G on transcript NM_014049.5 (MANE Select); coding-DNA position 1221, A replaced by G.
Protein change: p.Thr407=; no amino-acid change (threonine 407 retained).
Molecular consequence: synonymous variant. On other transcripts: non-coding transcript variant (1).
Genome position (GRCh38, 1-based): chr3:128,906,192, A>G. VCF-style: chr3-128906192-A-G. GRCh37 (hg19) VCF-style: chr3-128625035-A-G.
Identifiers: ClinVar variation 377418 (VCV000377418.22), dbSNP rs139048558, ClinGen allele CA2601435.
Genomic context (GRCh38, chr3:128,906,192, plus strand): 5'-CGAGGCCGCCTGGCAGTGTGTGAGTGAGGCGCTGCAGATCCTCGGGGGCTTGGGCTACAC[A>G]AGGGACTATCCGTACGAGCGCATACTGCGTGACACCCGCATCCTCCTCATCTTCGAGGTG-3'
Protein context (NP_054768.2, residues 397-417): ALQILGGLGY[Thr407=]RDYPYERILR

ClinVar aggregate classification (germline): Conflicting classifications of pathogenicity. Review status: criteria provided, conflicting classifications (1 of 4 stars). 7 submissions from 7 submitters: Uncertain significance (1); Benign (1); Likely benign (2). 3 of the submissions do not count toward it. Last evaluated 2026-01-28.

Conditions:
ACAD9-related disorder. Also called: ACAD9-related condition.
Acyl-CoA dehydrogenase 9 deficiency. Also called: MITOCHONDRIAL COMPLEX I DEFICIENCY, NUCLEAR TYPE 20; Acyl-CoA dehydrogenase family, member 9, deficiency of. Identifiers: Orphanet 99901, MedGen C4747517, MONDO:0012624, OMIM 611126.

Allele frequency attached by ClinVar (database versions not stated): gnomAD exomes 0.00008 and 0.00016; ExAC 0.00020; ESP Exome Variant Server 0.00023; gnomAD 0.00061 and 0.00066; TOPMed 0.00063; 1000 Genomes Project 0.00140; 1000 Genomes Project 30x 0.00141.
gnomAD v4.1: 229 of 1,614,166 alleles (0.014%); highest among the groups gnomAD compares: African/African-American, 0.24%; no homozygotes.

Submissions (7):

Labcorp Genetics (formerly Invitae), Labcorp
Classification: Benign. Last evaluated: 2026-01-28. Review status: criteria provided, single submitter. Criteria: Invitae Variant Classification Sherloc (09022015). Collection method: clinical testing. Allele origin: germline.

Blueprint Genetics
Classification: Likely benign. Last evaluated: 2024-08-23. Review status: criteria provided, single submitter. Criteria: ACMG Guidelines, 2015. Collection method: clinical testing. Allele origin: germline.

GeneDx
Classification: Likely benign. Last evaluated: 2020-09-09. Review status: criteria provided, single submitter. Criteria: GeneDx Variant Classification Process June 2021. Collection method: clinical testing. Allele origin: germline. Affected: yes.

Illumina Laboratory Services, Illumina
Classification: Uncertain significance for Acyl-CoA dehydrogenase 9 deficiency. Last evaluated: 2018-01-13. Review status: criteria provided, single submitter. Criteria: ICSL Variant Classification Criteria 13 December 2019. Collection method: clinical testing. Allele origin: germline.

PreventionGenetics, part of Exact Sciences
Classification: Likely benign for ACAD9-related condition. Last evaluated: 2024-01-03. Review status: no assertion criteria provided. Collection method: clinical testing. Allele origin: germline. Not counted in ClinVar's aggregate classification.
Comment: This variant is classified as likely benign based on ACMG/AMP sequence variant interpretation guidelines (Richards et al. 2015 PMID: 25741868, with internal and published modifications).

Clinical Genetics DNA and cytogenetics Diagnostics Lab, Erasmus MC, Erasmus Medical Center
Classification: Likely benign. Review status: no assertion criteria provided. Collection method: clinical testing. Allele origin: germline. Affected: yes. Study: VKGL Data-share Consensus. Not counted in ClinVar's aggregate classification.

Joint Genome Diagnostic Labs from Nijmegen and Maastricht, Radboudumc and MUMC+
Classification: Likely benign. Review status: no assertion criteria provided. Collection method: clinical testing. Allele origin: germline. Affected: yes. Study: VKGL Data-share Consensus. Not counted in ClinVar's aggregate classification.